The following is an entry in ClinVar:

NM_018109.4(MTPAP):c.1468G>T (p.Val490Leu)

Gene: MTPAP (mitochondrial poly(A) polymerase; minus strand). Cytogenetic location: 10p11.23.
Variant type: single nucleotide variant.
Coding change: c.1468G>T on transcript NM_018109.4 (MANE Select); coding-DNA position 1468, G replaced by T.
Protein change: p.Val490Leu; replaces valine 490 with leucine.
Molecular consequence: missense variant.
Genome position (GRCh38, 1-based): chr10:30,313,890, C>A on the plus strand (G>T on the coding strand, the complement: MTPAP is on the minus strand). VCF-style: chr10-30313890-C-A. GRCh37 (hg19) VCF-style: chr10-30602819-C-A.
Other names: short protein forms V490L.
Identifiers: ClinVar variation 374341 (VCV000374341.2), dbSNP rs1057518710, ClinGen allele CA16043676.

ClinVar aggregate classification (germline): Uncertain significance (0 of 4 stars; one submission).

Conditions:
Spastic ataxia 4. Identifiers: Orphanet 254343, MedGen C3150925, MONDO:0013354, OMIM 613672.

Submission:

Baylor Genetics
Classification: Uncertain significance for Spastic ataxia 4. Last evaluated: 2015-07-01. Review status: no assertion criteria provided. Collection method: clinical testing. Allele origin: germline. Inheritance: Autosomal recessive inheritance. Affected: yes. Observed: 1 variant allele, 1 homozygote.